The following is an entry in ClinVar:

NM_001123385.2(BCOR):c.334C>A (p.Leu112Ile)

Gene: BCOR (BCL6 corepressor; minus strand). Cytogenetic location: Xp11.4.
Variant type: single nucleotide variant.
Coding change: c.334C>A on transcript NM_001123385.2 (MANE Select); coding-DNA position 334, C replaced by A.
Protein change: p.Leu112Ile; replaces leucine 112 with isoleucine.
Molecular consequence: missense variant.
Genome position (GRCh38, 1-based): chrX:40,075,012, G>T on the plus strand (C>A on the coding strand, the complement: BCOR is on the minus strand). VCF-style: chrX-40075012-G-T. GRCh37 (hg19) VCF-style: chrX-39934265-G-T.
Other names: c.334C>A, p.Leu112Ile (NM_001123383.2, NM_001123384.2, NM_001437510.1 and 4 more transcripts); short protein forms L112I.
Identifiers: ClinVar variation 4711591 (VCV004711591.1).

ClinVar aggregate classification (germline): Uncertain significance (1 of 4 stars; one submission).

Conditions:
Oculofaciocardiodental syndrome (MCOPS2). Identifiers: Orphanet 2712, MedGen C1846265, MONDO:0010261, OMIM 300166.

Submission:

Labcorp Genetics (formerly Invitae), Labcorp
Classification: Uncertain significance for Oculofaciocardiodental syndrome. Last evaluated: 2025-06-22. Review status: criteria provided, single submitter. Criteria: Invitae Variant Classification Sherloc (09022015). Collection method: clinical testing. Allele origin: germline.
Comment: This sequence change replaces leucine, which is neutral and non-polar, with isoleucine, which is neutral and non-polar, at codon 112 of the BCOR protein (p.Leu112Ile). This variant is not present in population databases (gnomAD no frequency). This variant has not been reported in the literature in individuals affected with BCOR-related conditions. An algorithm developed to predict the effect of missense changes on protein structure and function (PolyPhen-2) suggests that this variant is likely to be disruptive. In summary, the available evidence is currently insufficient to determine the role of this variant in disease. Therefore, it has been classified as a Variant of Uncertain Significance.